The following is an entry in ClinVar:

NM_152564.5(VPS13B):c.1406A>G (p.Asn469Ser)

Gene: VPS13B (vacuolar protein sorting 13 homolog B; plus strand). Cytogenetic location: 8q22.2.
Variant type: single nucleotide variant.
Coding change: c.1406A>G on transcript NM_152564.5 (MANE Select); coding-DNA position 1406, A replaced by G.
Protein change: p.Asn469Ser; replaces asparagine 469 with serine.
Molecular consequence: missense variant.
Genome position (GRCh38, 1-based): chr8:99,135,118, A>G. VCF-style: chr8-99135118-A-G. GRCh37 (hg19) VCF-style: chr8-100147346-A-G.
Other names: c.1406A>G, p.Asn469Ser (NM_015243.3, NM_017890.5); short protein forms N469S.
Identifiers: ClinVar variation 1004628 (VCV001004628.6), dbSNP rs1810007051, ClinGen allele CA371863027.
Genomic context (GRCh38, chr8:99,135,118, plus strand): 5'-TTGTTGGTTGCAGAGCCATGTGCCTTAAAGGAATTATGGGTGTTAAAGATTTTGAAGAGA[A>G]TATGAATAGAAGTGAAACTGTAAGTCCGTTTCCTCCATCCTTTTTTGGATAGGATATAGG-3'
Protein context (NP_689777.3, residues 459-479): GIMGVKDFEE[Asn469Ser]MNRSETEACF

ClinVar aggregate classification (germline): Uncertain significance (1 of 4 stars; one submission).

Conditions:
Cohen syndrome (COH1). Also called: PEPPER SYNDROME; Cutis verticis gyrata, retinitis pigmentosa, and sensorineural deafness. Identifiers: Orphanet 193, MedGen C0265223, MONDO:0008999, OMIM 216550.

Allele frequency attached by ClinVar (database versions not stated): gnomAD exomes below 0.00001.
gnomAD v4.1: 1 of 1,613,508 alleles (0.000062%); highest among the groups gnomAD compares: Non-Finnish European, 0.000085%; no homozygotes.

Submission:

Labcorp Genetics (formerly Invitae), Labcorp
Classification: Uncertain significance for Cohen syndrome. Last evaluated: 2022-10-26. Review status: criteria provided, single submitter. Criteria: Invitae Variant Classification Sherloc (09022015). Collection method: clinical testing. Allele origin: germline.
Comment: This sequence change replaces asparagine, which is neutral and polar, with serine, which is neutral and polar, at codon 469 of the VPS13B protein (p.Asn469Ser). This variant is not present in population databases (gnomAD no frequency). This variant has not been reported in the literature in individuals affected with VPS13B-related conditions. ClinVar contains an entry for this variant (Variation ID: 1004628). Advanced modeling of protein sequence and biophysical properties (such as structural, functional, and spatial information, amino acid conservation, physicochemical variation, residue mobility, and thermodynamic stability) performed at Invitae indicates that this missense variant is not expected to disrupt VPS13B protein function. In summary, the available evidence is currently insufficient to determine the role of this variant in disease. Therefore, it has been classified as a Variant of Uncertain Significance.